The following is an entry in ClinVar:

NM_004385.5(VCAN):c.4393G>A (p.Val1465Met)

Genes: VCAN (versican; plus strand), VCAN-AS1 (VCAN antisense RNA 1; minus strand). Cytogenetic location: 5q14.3.
Variant type: single nucleotide variant.
Coding change: c.4393G>A on transcript NM_004385.5 (MANE Select); coding-DNA position 4393, G replaced by A.
Protein change: p.Val1465Met; replaces valine 1465 with methionine.
Molecular consequence: missense variant. On other transcripts: intron variant (2).
Genome position (GRCh38, 1-based): chr5:83,537,396, G>A. VCF-style: chr5-83537396-G-A. GRCh37 (hg19) VCF-style: chr5-82833215-G-A.
Other names: c.1432G>A, p.Val478Met (NM_001164097.2); c.4004-8141G>A (NM_001164098.2); c.1043-8141G>A (NM_001126336.3); short protein forms V1465M, V478M.
Identifiers: ClinVar variation 2841171 (VCV002841171.3), dbSNP rs766234120, ClinGen allele CA360308156.

ClinVar aggregate classification (germline): Uncertain significance (1 of 4 stars; one submission).

Allele frequency attached by ClinVar (database versions not stated): gnomAD exomes below 0.00001; TOPMed below 0.00001.
gnomAD v4.1: 2 of 1,613,962 alleles (0.00012%); highest among the groups gnomAD compares: Non-Finnish European, 0.00017%; no homozygotes.

Submission:

Labcorp Genetics (formerly Invitae), Labcorp
Classification: Uncertain significance. Last evaluated: 2023-02-26. Review status: criteria provided, single submitter. Criteria: Invitae Variant Classification Sherloc (09022015). Collection method: clinical testing. Allele origin: germline.
Comment: This sequence change replaces valine, which is neutral and non-polar, with methionine, which is neutral and non-polar, at codon 1465 of the VCAN protein (p.Val1465Met). This variant is present in population databases (no rsID available, gnomAD 0.0009%). This variant has not been reported in the literature in individuals affected with VCAN-related conditions. Algorithms developed to predict the effect of missense changes on protein structure and function output the following: SIFT: "Not Available"; PolyPhen-2: "Benign"; Align-GVGD: "Not Available". The methionine amino acid residue is found in multiple mammalian species, which suggests that this missense change does not adversely affect protein function. In summary, the available evidence is currently insufficient to determine the role of this variant in disease. Therefore, it has been classified as a Variant of Uncertain Significance.